The following is an entry in ClinVar:

NM_000135.4(FANCA):c.3100C>G (p.Leu1034Val)

Gene: FANCA (FA complementation group A; minus strand). Cytogenetic location: 16q24.3.
Variant type: single nucleotide variant.
Coding change: c.3100C>G on transcript NM_000135.4 (MANE Select); coding-DNA position 3100, C replaced by G.
Protein change: p.Leu1034Val; replaces leucine 1034 with valine.
Molecular consequence: missense variant.
Genome position (GRCh38, 1-based): chr16:89,749,869, G>C on the plus strand (C>G on the coding strand, the complement: FANCA is on the minus strand). VCF-style: chr16-89749869-G-C. GRCh37 (hg19) VCF-style: chr16-89816277-G-C.
Other names: c.3100C>G, p.Leu1034Val (NM_001286167.3); short protein forms L1034V.
Identifiers: ClinVar variation 2191113 (VCV002191113.4), dbSNP rs2143139771, ClinGen allele CA397486694.
Genomic context (GRCh38, chr16:89,749,869, plus strand): 5'-TGCGGAAAATCTCAAAGAGGAAGTGCTCCTGGGAAGGGGTGTGGCCGAGAGGCACTATGA[G>C]GTCTTGCTGCAGCTCCAGGTCAGCTACCATCTCCTGAAAAAGAGCAGTATGCTGGCACAG-3'
Protein context (NP_000126.2, residues 1024-1044): MVADLELQQD[Leu1034Val]IVPLGHTPSQ

ClinVar aggregate classification (germline): Uncertain significance (1 of 4 stars; one submission).

Conditions:
Fanconi anemia (FA). Also called: Fanconi's anemia. Identifiers: Orphanet 84, MedGen C0015625, MeSH D005199, MONDO:0019391.

gnomAD v4.1: 1 of 1,614,196 alleles (0.000062%); highest among the groups gnomAD compares: Non-Finnish European, 0.000085%; no homozygotes.

Submission:

Labcorp Genetics (formerly Invitae), Labcorp
Classification: Uncertain significance for Fanconi anemia. Last evaluated: 2022-04-13. Review status: criteria provided, single submitter. Criteria: Invitae Variant Classification Sherloc (09022015). Collection method: clinical testing. Allele origin: germline.
Comment: This sequence change replaces leucine, which is neutral and non-polar, with valine, which is neutral and non-polar, at codon 1034 of the FANCA protein (p.Leu1034Val). In summary, the available evidence is currently insufficient to determine the role of this variant in disease. Therefore, it has been classified as a Variant of Uncertain Significance. Advanced modeling of protein sequence and biophysical properties (such as structural, functional, and spatial information, amino acid conservation, physicochemical variation, residue mobility, and thermodynamic stability) performed at Invitae indicates that this missense variant is not expected to disrupt FANCA protein function. This variant has not been reported in the literature in individuals affected with FANCA-related conditions. This variant is not present in population databases (gnomAD no frequency).